The following is an entry in ClinVar:

NM_001077365.2(POMT1):c.1150G>A (p.Gly384Ser)

Gene: POMT1 (protein O-mannosyltransferase 1; plus strand). Cytogenetic location: 9q34.13.
Variant type: single nucleotide variant.
Coding change: c.1150G>A on transcript NM_001077365.2 (MANE Select); coding-DNA position 1150, G replaced by A.
Protein change: p.Gly384Ser; replaces glycine 384 with serine.
Molecular consequence: missense variant. On other transcripts: non-coding transcript variant (10), intron variant (1).
Genome position (GRCh38, 1-based): chr9:131,513,306, G>A. VCF-style: chr9-131513306-G-A. GRCh37 (hg19) VCF-style: chr9-134388693-G-A.
Other names: c.824+1839G>A (NM_001374693.1); c.988G>A, p.Gly330Ser (NM_001077366.2, NM_001353194.2); c.1150G>A, p.Gly384Ser (NM_001136113.2, NM_001374690.1); c.799G>A, p.Gly267Ser (NM_001136114.2, NM_001353195.2, NM_001374691.1 and 1 more transcripts); c.1216G>A, p.Gly406Ser (NM_001353193.2, NM_007171.4); c.1060G>A, p.Gly354Ser (NM_001353196.2); c.1054G>A, p.Gly352Ser (NM_001353197.2, NM_001353198.2); c.865G>A, p.Gly289Ser (NM_001353199.2); and 3 more; short protein forms G406S, G267S, G354S, G384S, G330S, G232S, G289S, G352S.
Identifiers: ClinVar variation 285835 (VCV000285835.22), dbSNP rs146234177, ClinGen allele CA5293551.
Genomic context (GRCh38, chr9:131,513,306, plus strand): 5'-CTGGTGGTGAGCAGCCCTCCGAGACCTGTGAGGCACGGGGACATGGTGCAGCTGGTCCAC[G>A]GCATGACCACCCGCTCCCTGAACACGTGAGTGTGCCCGCCGTCTGCTCTGCTGCACCTGT-3'
Protein context (NP_001070833.1, residues 374-394): RHGDMVQLVH[Gly384Ser]MTTRSLNTHD

ClinVar aggregate classification (germline): Uncertain significance. Review status: criteria provided, multiple submitters, no conflicts (2 of 4 stars). 9 submissions from 9 submitters: Uncertain significance (9). Last evaluated 2025-01-02.

Conditions:
Inborn genetic diseases. Identifiers: MedGen C0950123, MeSH D030342.
Muscular dystrophy-dystroglycanopathy (congenital with brain and eye anomalies), type A1 (MDDGA1). Also called: Muscular dystrophy-dystroglycanopathy (congenital with brain and eye anomalies), type A, 1; WALKER-WARBURG SYNDROME OR MUSCLE-EYE-BRAIN DISEASE, POMT1-RELATED; Hydrocephalus, agyria and retinal dysplasia; Hard +/- E syndrome; Warburg syndrome; Chemke syndrome. Identifiers: Orphanet 588, Orphanet 899, MedGen C4284790, MONDO:0009364, OMIM 236670.
Muscular dystrophy-dystroglycanopathy (congenital with impaired intellectual development), type B, 1. Also called: Muscular dystrophy-dystroglycanopathy (congenital with intellectual disability), type B1; MUSCULAR DYSTROPHY, CONGENITAL, POMT1-RELATED. Identifiers: MedGen C5436962, MONDO:0013159, OMIM 613155.
Autosomal recessive limb-girdle muscular dystrophy type 2K. Also called: MUSCULAR DYSTROPHY-DYSTROGLYCANOPATHY (LIMB-GIRDLE), TYPE C, 1; MUSCULAR DYSTROPHY, LIMB-GIRDLE, TYPE 2K. Identifiers: Orphanet 86812, MedGen C1836373, MONDO:0012248, OMIM 609308.
Walker-Warburg congenital muscular dystrophy. Also called: Muscular dystrophy-dystroglycanopathy, type A; Walker-Warburg syndrome. Identifiers: Orphanet 899, MedGen C0265221, MONDO:0000171.

Allele frequency attached by ClinVar (database versions not stated): gnomAD exomes 0.00011 and 0.00019; TOPMed 0.00014; gnomAD 0.00021 and 0.00019; ESP Exome Variant Server 0.00015; ExAC 0.00010.
gnomAD v4.1: 311 of 1,612,392 alleles (0.019%); highest among the groups gnomAD compares: Non-Finnish European, 0.024%; no homozygotes.

Submissions (9):

Women's Health and Genetics/Laboratory Corporation of America, LabCorp
Classification: Uncertain significance. Last evaluated: 2025-01-02. Review status: criteria provided, single submitter. Criteria: LabCorp Variant Classification Summary - May 2015. Collection method: clinical testing. Allele origin: germline.
Comment: Variant summary: POMT1 c.1216G>A (p.Gly406Ser) results in a non-conservative amino acid change located in the MIR domain (IPR036300) of the encoded protein sequence. Five of five in-silico tools predict a damaging effect of the variant on protein function. The variant allele was found at a frequency of 0.00011 in 247884 control chromosomes. This frequency is not significantly higher than estimated for a pathogenic variant in POMT1 causing Muscular dystrophy-dystroglycanopathy (congenital with brain and eye anomalies), type A1 (0.00011 vs 0.0035), allowing no conclusion about variant significance. To our knowledge, no occurrence of c.1216G>A in individuals affected with Muscular dystrophy-dystroglycanopathy (congenital with brain and eye anomalies), type A1 and no experimental evidence demonstrating its impact on protein function have been reported. ClinVar contains an entry for this variant (Variation ID: 285835). Based on the evidence outlined above, the variant was classified as uncertain significance.

Ambry Genetics
Classification: Uncertain significance for Inborn genetic diseases. Last evaluated: 2024-05-30. Review status: criteria provided, single submitter. Criteria: Ambry Variant Classification Scheme 2023. Collection method: clinical testing. Allele origin: germline.

GeneDx
Classification: Uncertain significance. Last evaluated: 2023-07-24. Review status: criteria provided, single submitter. Criteria: GeneDx Variant Classification Process June 2021. Collection method: clinical testing. Allele origin: germline. Affected: yes.
Comment: In silico analysis supports that this missense variant has a deleterious effect on protein structure/function; Has not been previously published as pathogenic or benign to our knowledge; This variant is associated with the following publications: (PMID: 30564623, Munch2022[casereport])

Revvity Omics, Revvity
Classification: Uncertain significance. Last evaluated: 2023-01-04. Review status: criteria provided, single submitter. Criteria: ACMG Guidelines, 2015. Collection method: clinical testing. Allele origin: germline.

Labcorp Genetics (formerly Invitae), Labcorp
Classification: Uncertain significance for Muscular dystrophy-dystroglycanopathy (congenital with impaired intellectual development), type B, 1; Walker-Warburg congenital muscular dystrophy; Autosomal recessive limb-girdle muscular dystrophy type 2K. Last evaluated: 2022-11-01. Review status: criteria provided, single submitter. Criteria: Invitae Variant Classification Sherloc (09022015). Collection method: clinical testing. Allele origin: germline.
Comment: This sequence change replaces glycine, which is neutral and non-polar, with serine, which is neutral and polar, at codon 406 of the POMT1 protein (p.Gly406Ser). This variant is present in population databases (rs146234177, gnomAD 0.03%). This variant has not been reported in the literature in individuals affected with POMT1-related conditions. ClinVar contains an entry for this variant (Variation ID: 285835). Advanced modeling of protein sequence and biophysical properties (such as structural, functional, and spatial information, amino acid conservation, physicochemical variation, residue mobility, and thermodynamic stability) has been performed at Invitae for this missense variant, however the output from this modeling did not meet the statistical confidence thresholds required to predict the impact of this variant on POMT1 protein function. In summary, the available evidence is currently insufficient to determine the role of this variant in disease. Therefore, it has been classified as a Variant of Uncertain Significance.

Blueprint Genetics
Classification: Uncertain significance. Last evaluated: 2022-06-21. Review status: criteria provided, single submitter. Criteria: ACMG Guidelines, 2015. Collection method: clinical testing. Allele origin: germline.

Athena Diagnostics
Classification: Uncertain significance. Last evaluated: 2018-11-16. Review status: criteria provided, single submitter. Criteria: Athena Diagnostics Criteria. Collection method: clinical testing. Allele origin: germline.

Fulgent Genetics
Classification: Uncertain significance for Muscular dystrophy-dystroglycanopathy (congenital with brain and eye anomalies), type A1; Autosomal recessive limb-girdle muscular dystrophy type 2K; Muscular dystrophy-dystroglycanopathy (congenital with impaired intellectual development), type B, 1. Last evaluated: 2018-10-31. Review status: criteria provided, single submitter. Criteria: ACMG Guidelines, 2015. Collection method: clinical testing. Allele origin: unknown.

Eurofins Ntd Llc (ga)
Classification: Uncertain significance. Last evaluated: 2018-02-27. Review status: criteria provided, single submitter. Criteria: EGL ClinVar v180209 classification definitions. Collection method: clinical testing. Allele origin: germline. Observed: 10 variant alleles, 10 heterozygotes.